The following is an entry in ClinVar:

ClinVar aggregate classification (germline): Uncertain significance. Review status: criteria provided, multiple submitters, no conflicts (2 of 4 stars). 2 submissions from 2 submitters: Uncertain significance (2). Last evaluated 2026-06-15.

Conditions:
Hereditary cancer-predisposing syndrome. Also called: Hereditary Cancer Syndrome; Tumor predisposition; Hereditary neoplastic syndrome; Neoplastic Syndromes, Hereditary. Identifiers: Orphanet 140162, MedGen C0027672, MeSH D009386, MONDO:0015356.
Familial meningioma. Also called: Meningioma, familial, susceptibility to. Identifiers: Orphanet 263662, MedGen C3551915, MONDO:0011789, OMIM 607174.

Allele frequency attached by ClinVar (database versions not stated): gnomAD exomes below 0.00001.
gnomAD v4.1: 2 of 1,614,026 alleles (0.00012%); highest among the groups gnomAD compares: East Asian, 0.0045%; no homozygotes.

Submissions (2):

Ambry Genetics
Classification: Uncertain significance for Hereditary cancer-predisposing syndrome. Last evaluated: 2026-06-15. Review status: criteria provided, single submitter. Criteria: Ambry Variant Classification Scheme 2023. Collection method: clinical testing. Allele origin: germline.
Comment: The p.R299M variant (also known as c.896G>T), located in coding exon 9 of the SMARCE1 gene, results from a G to T substitution at nucleotide position 896. The arginine at codon 299 is replaced by methionine, an amino acid with similar properties. This amino acid position is conserved. In addition, the in silico prediction for this alteration is inconclusive. Based on the available evidence, the clinical significance of this variant remains unclear.

Labcorp Genetics (formerly Invitae), Labcorp
Classification: Uncertain significance for Familial meningioma. Last evaluated: 2020-03-04. Review status: criteria provided, single submitter. Criteria: Invitae Variant Classification Sherloc (09022015). Collection method: clinical testing. Allele origin: germline.
Comment: In summary, the available evidence is currently insufficient to determine the role of this variant in disease. Therefore, it has been classified as a Variant of Uncertain Significance. Algorithms developed to predict the effect of missense changes on protein structure and function do not agree on the potential impact of this missense change (SIFT: "Deleterious"; PolyPhen-2: "Possibly Damaging"; Align-GVGD: "Class C0"). This variant has not been reported in the literature in individuals with SMARCE1-related disease. This variant is not present in population databases (ExAC no frequency). This sequence change replaces arginine with methionine at codon 299 of the SMARCE1 protein (p.Arg299Met). The arginine residue is highly conserved and there is a moderate physicochemical difference between arginine and methionine.

NM_003079.5(SMARCE1):c.896G>T (p.Arg299Met)

Gene: SMARCE1 (SWI/SNF related BAF chromatin remodeling complex subunit E1; minus strand). Cytogenetic location: 17q21.2.
Variant type: single nucleotide variant.
Coding change: c.896G>T on transcript NM_003079.5 (MANE Select); coding-DNA position 896, G replaced by T.
Protein change: p.Arg299Met; replaces arginine 299 with methionine.
Molecular consequence: missense variant.
Genome position (GRCh38, 1-based): chr17:40,630,845, C>A on the plus strand (G>T on the coding strand, the complement: SMARCE1 is on the minus strand). VCF-style: chr17-40630845-C-A. GRCh37 (hg19) VCF-style: chr17-38787097-C-A.
Other names: short protein forms R299M.
Identifiers: ClinVar variation 532240 (VCV000532240.9), dbSNP rs1555605248, ClinGen allele CA399363746.